The following is an entry in ClinVar:

ClinVar aggregate classification (germline): Uncertain significance. Review status: criteria provided, multiple submitters, no conflicts (2 of 4 stars). 3 submissions from 3 submitters: Uncertain significance (3). Last evaluated 2023-08-15.

Conditions:
Inborn genetic diseases. Identifiers: MedGen C0950123, MeSH D030342.
Methylmalonic aciduria and homocystinuria type cblF. Also called: COBALAMIN F DISEASE; COBALAMIN, DEFECT IN LYSOSOMAL RELEASE OF; METHYLMALONIC ACIDEMIA AND HOMOCYSTINURIA, cblF TYPE; METHYLMALONIC ACIDURIA DUE TO VITAMIN B12-RELEASE DEFECT; VITAMIN B12 LYSOSOMAL RELEASE DEFECT; VITAMIN B12 STORAGE DISEASE. Identifiers: Orphanet 79284, MedGen C1848578, MONDO:0010183, OMIM 277380.

Allele frequency attached by ClinVar (database versions not stated): gnomAD 0.00001; gnomAD exomes 0.00001 and 0.00003; TOPMed 0.00002; ExAC 0.00003.

Submissions (3):

Ambry Genetics
Classification: Uncertain significance for Inborn genetic diseases. Last evaluated: 2023-08-15. Review status: criteria provided, single submitter. Criteria: Ambry Variant Classification Scheme 2023. Collection method: clinical testing. Allele origin: germline.

Labcorp Genetics (formerly Invitae), Labcorp
Classification: Uncertain significance for Methylmalonic aciduria and homocystinuria type cblF. Last evaluated: 2022-04-24. Review status: criteria provided, single submitter. Criteria: Invitae Variant Classification Sherloc (09022015). Collection method: clinical testing. Allele origin: germline.
Comment: This sequence change replaces arginine, which is basic and polar, with tryptophan, which is neutral and slightly polar, at codon 39 of the LMBRD1 protein (p.Arg39Trp). This variant is present in population databases (rs748879055, gnomAD 0.05%). This variant has not been reported in the literature in individuals affected with LMBRD1-related conditions. ClinVar contains an entry for this variant (Variation ID: 357779). Algorithms developed to predict the effect of missense changes on protein structure and function (SIFT, PolyPhen-2, Align-GVGD) all suggest that this variant is likely to be disruptive. In summary, the available evidence is currently insufficient to determine the role of this variant in disease. Therefore, it has been classified as a Variant of Uncertain Significance.

Illumina Laboratory Services, Illumina
Classification: Uncertain significance for Methylmalonic aciduria and homocystinuria type cblF. Last evaluated: 2018-01-13. Review status: criteria provided, single submitter. Criteria: ICSL Variant Classification Criteria 13 December 2019. Collection method: clinical testing. Allele origin: germline.

NM_018368.4(LMBRD1):c.115C>T (p.Arg39Trp)

Gene: LMBRD1 (LMBR1 domain containing 1; minus strand). Cytogenetic location: 6q13.
Variant type: single nucleotide variant.
Coding change: c.115C>T on transcript NM_018368.4 (MANE Select); coding-DNA position 115, C replaced by T.
Protein change: p.Arg39Trp; replaces arginine 39 with tryptophan.
Molecular consequence: missense variant. On other transcripts: 5 prime UTR variant (3).
Genome position (GRCh38, 1-based): chr6:69,790,427, G>A on the plus strand (C>T on the coding strand, the complement: LMBRD1 is on the minus strand). VCF-style: chr6-69790427-G-A. GRCh37 (hg19) VCF-style: chr6-70500319-G-A.
Other names: c.-105C>T (NM_001363722.2, NM_001367271.1, NM_001367272.1); short protein forms R39W.
Identifiers: ClinVar variation 357779 (VCV000357779.13), dbSNP rs748879055, ClinGen allele CA3879998.
Genomic context (GRCh38, chr6:69,790,427, plus strand): 5'-TAAGTGCAATTGCTAGAGAAAAAATTGCTGTTATGGTGGAGACAACTTCACTTTCCCGCC[G>A]ACTTTGGTATTTACGAACATATATCCAGCAGAATGCCAAAATAGCCTGAAATAGAACAAA-3'
Protein context (NP_060838.3, residues 29-49): CWIYVRKYQS[Arg39Trp]RESEVVSTIT